The following is an entry in ClinVar:

NM_001001548.3(CD36):c.1026A>G (p.Ser342=)

Gene: CD36 (CD36 molecule (CD36 blood group); plus strand). Cytogenetic location: 7q21.11.
Variant type: single nucleotide variant.
Coding change: c.1026A>G on transcript NM_001001548.3 (MANE Select); coding-DNA position 1026, A replaced by G.
Protein change: p.Ser342=; no amino-acid change (serine 342 retained).
Molecular consequence: synonymous variant. On other transcripts: non-coding transcript variant (1).
Genome position (GRCh38, 1-based): chr7:80,671,941, A>G. VCF-style: chr7-80671941-A-G. GRCh37 (hg19) VCF-style: chr7-80301257-A-G.
Other names: c.1026A>G, p.Ser342= (NM_000072.3, NM_001001547.3, NM_001127443.2 and 5 more transcripts); c.909A>G, p.Ser303= (NM_001289908.1); c.846A>G, p.Ser282= (NM_001289909.1); c.798A>G, p.Ser266= (NM_001289911.2); c.924A>G, p.Ser308= (NM_001371079.1); c.561A>G, p.Ser187= (NM_001371080.1, NM_001371081.1).
Identifiers: ClinVar variation 3051761 (VCV003051761.2), dbSNP rs1797713557, ClinGen allele CA367857359.

ClinVar aggregate classification (germline): Likely benign (0 of 4 stars; one submission).

Conditions:
CD36-related disorder. Also called: CD36-related disorders; CD36-related condition.

Submission:

PreventionGenetics, part of Exact Sciences
Classification: Likely benign for CD36-related condition. Last evaluated: 2022-04-25. Review status: no assertion criteria provided. Collection method: clinical testing. Allele origin: germline.
Comment: This variant is classified as likely benign based on ACMG/AMP sequence variant interpretation guidelines (Richards et al. 2015 PMID: 25741868, with internal and published modifications).